The following is an entry in ClinVar:

NM_001283009.2(RTEL1):c.275CTG[4] (p.Ala96del)

Genes: RTEL1 (regulator of telomere elongation helicase 1; plus strand), RTEL1-TNFRSF6B (RTEL1-TNFRSF6B readthrough (NMD candidate); plus strand). Cytogenetic location: 20q13.33.
Variant type: Microsatellite.
Coding change: c.275CTG[4] on transcript NM_001283009.2 (MANE Select); four copies in a row of the 3-base unit CTG starting at c.275; the reference has five copies in a row; one copy, 3 bases deleted.
Protein change: p.Ala96del; deletes alanine 96.
Molecular consequence: inframe deletion. On other transcripts: non-coding transcript variant (1), 5 prime UTR variant (1).
Genome position (GRCh38, 1-based): chr20:63,661,482-63,661,484, CTG deleted; deleting any 3 consecutive bases within chr20:63,661,469-63,661,484 gives the same sequence; the position shown is the placement nearest the transcript's 3' end. VCF-style (leftmost placement, unchanged base first): chr20-63661468-CGCT-C. GRCh37 (hg19) VCF-style: chr20-62292821-CGCT-C.
Other names: c.275CTG[4], p.Ala96del (NM_016434.4, NM_032957.5); c.-395CTG[4] (NM_001283010.1); short protein forms A96del.
Identifiers: ClinVar variation 3752058 (VCV003752058.2).

ClinVar aggregate classification (germline): Uncertain significance (1 of 4 stars; one submission).

Conditions:
Pulmonary fibrosis and/or bone marrow failure, Telomere-related, 3. Also called: PULMONARY FIBROSIS AND/OR BONE MARROW FAILURE SYNDROME, TELOMERE-RELATED, 3. Identifiers: Orphanet 2032, MedGen C4225346, MONDO:0014613, OMIM 616373.
Dyskeratosis congenita, autosomal recessive 5 (DKCB5). Identifiers: MedGen C3554656, MONDO:0014076, OMIM 615190.

Submission:

Labcorp Genetics (formerly Invitae), Labcorp
Classification: Uncertain significance for Dyskeratosis congenita, autosomal recessive 5; Pulmonary fibrosis and/or bone marrow failure, Telomere-related, 3. Last evaluated: 2024-05-25. Review status: criteria provided, single submitter. Criteria: Invitae Variant Classification Sherloc (09022015). Collection method: clinical testing. Allele origin: germline.
Comment: This variant, c.287_289del, results in the deletion of 1 amino acid(s) of the RTEL1 protein (p.Ala96del), but otherwise preserves the integrity of the reading frame. The frequency data for this variant in the population databases is considered unreliable, as metrics indicate poor data quality at this position in the gnomAD database. This variant has not been reported in the literature in individuals affected with RTEL1-related conditions. Experimental studies and prediction algorithms are not available or were not evaluated, and the functional significance of this variant is currently unknown. In summary, the available evidence is currently insufficient to determine the role of this variant in disease. Therefore, it has been classified as a Variant of Uncertain Significance.